The following is an entry in ClinVar:

ClinVar aggregate classification (germline): Benign/Likely benign. Review status: criteria provided, multiple submitters, no conflicts (2 of 4 stars). 3 submissions from 3 submitters: Benign (2); Likely benign (1). Last evaluated 2026-01-01.

Allele frequency attached by ClinVar (database versions not stated): TOPMed 0.00109; ESP Exome Variant Server 0.00169; 1000 Genomes Project 30x 0.00281; gnomAD exomes 0.00318 and 0.00655; 1000 Genomes Project 0.00319; gnomAD 0.00556 and 0.00571; ExAC 0.00633.
gnomAD v4.1: 5,519 of 1,614,110 alleles (0.34%); highest among the groups gnomAD compares: Non-Finnish European, 0.14%; 126 homozygotes.

Submissions (3):

CeGaT Center for Human Genetics Tuebingen
Classification: Likely benign. Last evaluated: 2026-01-01. Review status: criteria provided, single submitter. Criteria: CeGaT Center For Human Genetics Tuebingen Variant Classification Criteria Version 2. Collection method: clinical testing. Allele origin: germline. Affected: yes. Observed: 2 variant alleles.
Comment: PI4KA: BP4, BP7

Labcorp Genetics (formerly Invitae), Labcorp
Classification: Benign. Last evaluated: 2019-12-31. Review status: criteria provided, single submitter. Criteria: Invitae Variant Classification Sherloc (09022015). Collection method: clinical testing. Allele origin: germline.

Breakthrough Genomics
Classification: Benign. Review status: criteria provided, single submitter. Criteria: ACMG Guidelines, 2015. Collection method: not provided. Allele origin: germline. Inheritance: Autosomal recessive inheritance. Affected: yes.

NM_058004.4(PI4KA):c.4380C>T (p.Ser1460=)

Gene: PI4KA (phosphatidylinositol 4-kinase alpha; minus strand). Cytogenetic location: 22q11.21.
Variant type: single nucleotide variant.
Coding change: c.4380C>T on transcript NM_058004.4 (MANE Select); coding-DNA position 4380, C replaced by T.
Protein change: p.Ser1460=; no amino-acid change (serine 1460 retained).
Molecular consequence: synonymous variant.
Genome position (GRCh38, 1-based): chr22:20,729,920, G>A on the plus strand (C>T on the coding strand, the complement: PI4KA is on the minus strand). VCF-style: chr22-20729920-G-A. GRCh37 (hg19) VCF-style: chr22-21084208-G-A.
Other names: c.4287C>T, p.Ser1429= (NM_001362862.2); c.4314C>T, p.Ser1438= (NM_001362863.2).
Identifiers: ClinVar variation 777666 (VCV000777666.9), dbSNP rs139857256, ClinGen allele CA10115092.
Genomic context (GRCh38, chr22:20,729,920, plus strand): 5'-GTGATGGCCCCAGCAGCACACCTCCCACCGACCTGATTTCTTGGAGATGGTGGACATGCC[G>A]CTGGACAGGGGGTATGTGTTGATCCAGCCTTGGGTGGCTTGTTGCCGAGAGCCGACAGTT-3'
Protein context (NP_477352.3, residues 1450-1470): QGWINTYPLS[Ser1460=]GMSTISKKSG